The following is an entry in ClinVar:

NM_001379291.1(BRD4):c.1341+3G>A

Gene: BRD4 (bromodomain containing 4; minus strand). Cytogenetic location: 19p13.12.
Variant type: single nucleotide variant.
Coding change: c.1341+3G>A on transcript NM_001379291.1 (MANE Select); 3 bases into the intron after coding-DNA position 1341, G replaced by A.
Molecular consequence: intron variant.
Genome position (GRCh38, 1-based): chr19:15,263,417, C>T on the plus strand (G>A on the coding strand, the complement: BRD4 is on the minus strand). VCF-style: chr19-15263417-C-T. GRCh37 (hg19) VCF-style: chr19-15374228-C-T.
Other names: c.1341+3G>A (NM_058243.3, NM_001379292.1, NM_014299.3 and 1 more transcripts).
Identifiers: ClinVar variation 2111894 (VCV002111894.4), dbSNP rs1427973106, ClinGen allele CA783633421.
Genomic context (GRCh38, chr19:15,263,417, plus strand): 5'-GTCTGCTCCCACGAGGACCTCAGCCTGCTCTGCTGAGGGTGGCTGCGCCCTCCCAAGCCT[C>T]ACCTGGAGCTTGCGGGCCATGGCCACCACCTCATGGTCAGGAGGGTTGTACTTATAGCAG-3'

ClinVar aggregate classification (germline): Uncertain significance (1 of 4 stars; one submission).

Allele frequency attached by ClinVar (database versions not stated): gnomAD exomes below 0.00001; TOPMed below 0.00001.
gnomAD v4.1: 3 of 1,613,906 alleles (0.00019%); highest among the groups gnomAD compares: Non-Finnish European, 0.00025%; no homozygotes.

Submission:

Labcorp Genetics (formerly Invitae), Labcorp
Classification: Uncertain significance. Last evaluated: 2022-07-01. Review status: criteria provided, single submitter. Criteria: Invitae Variant Classification Sherloc (09022015). Collection method: clinical testing. Allele origin: germline.
Comment: In summary, the available evidence is currently insufficient to determine the role of this variant in disease. Therefore, it has been classified as a Variant of Uncertain Significance. Variants that disrupt the consensus splice site are a relatively common cause of aberrant splicing (PMID: 17576681, 9536098). Algorithms developed to predict the effect of sequence changes on RNA splicing suggest that this variant is not likely to affect RNA splicing. This variant has not been reported in the literature in individuals affected with BRD4-related conditions. This variant is not present in population databases (gnomAD no frequency). This sequence change falls in intron 7 of the BRD4 gene. It does not directly change the encoded amino acid sequence of the BRD4 protein. It affects a nucleotide within the consensus splice site.

Literature cited by the submitters: PubMed 17576681; PubMed 9536098.